The following is an entry in ClinVar:

NM_020911.2(PLXNA4):c.2083G>T (p.Val695Leu)

Gene: PLXNA4 (plexin A4; minus strand). Cytogenetic location: 7q32.3.
Variant type: single nucleotide variant.
Coding change: c.2083G>T on transcript NM_020911.2 (MANE Select); coding-DNA position 2083, G replaced by T.
Protein change: p.Val695Leu; replaces valine 695 with leucine.
Molecular consequence: missense variant.
Genome position (GRCh38, 1-based): chr7:132,223,541, C>A on the plus strand (G>T on the coding strand, the complement: PLXNA4 is on the minus strand). VCF-style: chr7-132223541-C-A. GRCh37 (hg19) VCF-style: chr7-131908300-C-A.
Other names: c.2083G>T, p.Val695Leu (NM_001393897.1); short protein forms V695L.
Identifiers: ClinVar variation 4993051 (VCV004993051.1).

ClinVar aggregate classification (germline): Uncertain significance (1 of 4 stars; one submission).

Conditions:
PLXNA4-related disorder. Also called: PLXNA4-related condition.

gnomAD v4.1: 3 of 1,613,174 alleles (0.00019%); highest among the groups gnomAD compares: Admixed American, 0.0017%; no homozygotes.

Submission:

PreventionGenetics, part of Exact Sciences
Classification: Uncertain significance for PLXNA4-related condition. Last evaluated: 2026-04-07. Review status: criteria provided, single submitter. Criteria: ACMG Guidelines, 2015. Collection method: clinical testing. Allele origin: germline.
Comment: The PLXNA4 c.2083G>T variant is predicted to result in the amino acid substitution p.Val695Leu. To our knowledge, this variant has not been reported in the literature. This variant is reported in 0.0033% of alleles in individuals of South Asian descent in gnomAD. At this time, the clinical significance of this variant is uncertain due to the absence of conclusive functional and genetic evidence.